The following is an entry in ClinVar:

NM_020964.3(EPG5):c.5564_5565del (p.Leu1855fs)

Gene: EPG5 (ectopic P-granules 5 autophagy tethering factor; minus strand). Cytogenetic location: 18q12.3.
Variant type: Deletion.
Coding change: c.5564_5565del on transcript NM_020964.3 (MANE Select); coding-DNA positions 5564 to 5565, 2 bases deleted (TG; older notation c.5564_5565delTG).
Protein change: p.Leu1855fs; shifts the reading frame from leucine 1855.
Molecular consequence: frameshift variant.
Genome position (GRCh38, 1-based): chr18:45,880,177-45,880,178, CA deleted on the plus strand (TG on the coding strand, the reverse complement: EPG5 is on the minus strand). VCF-style (leftmost placement, unchanged base first): chr18-45880176-TCA-T. GRCh37 (hg19) VCF-style: chr18-43460141-TCA-T.
Other names: c.5564_5565del, p.Leu1855fs (NM_001410858.1, NM_001410859.1); short protein forms L1855fs.
Identifiers: ClinVar variation 2838437 (VCV002838437.3), dbSNP rs2511577420, ClinGen allele CA2739268683.
Genomic context (GRCh38, chr18:45,880,176, plus strand): 5'-CGGCGCCCTCGGTGGACGCTGCCCCCTGCTGGCAGCTGGGGGCGCAGCAGCCCAGGGCTC[TCA>T]GAGTGGCCTTCCAACACTCGGGGCTCAGAAGCTGCTCCGCGGAGCCTGCCAGCAGGGACA-3'

ClinVar aggregate classification (germline): Pathogenic (1 of 4 stars; one submission).

Conditions:
Vici syndrome (VICIS). Identifiers: Orphanet 1493, MedGen C1855772, MONDO:0009452, OMIM 242840.

Submission:

Labcorp Genetics (formerly Invitae), Labcorp
Classification: Pathogenic for Vici syndrome. Last evaluated: 2023-02-17. Review status: criteria provided, single submitter. Criteria: Invitae Variant Classification Sherloc (09022015). Collection method: clinical testing. Allele origin: germline.
Comment: For these reasons, this variant has been classified as Pathogenic. This variant has not been reported in the literature in individuals affected with EPG5-related conditions. This variant is not present in population databases (gnomAD no frequency). This sequence change creates a premature translational stop signal (p.Leu1855Glnfs*27) in the EPG5 gene. It is expected to result in an absent or disrupted protein product. Loss-of-function variants in EPG5 are known to be pathogenic (PMID: 23222957, 23674064).

Literature cited by the submitters: PubMed 23222957; PubMed 23674064.